The following is an entry in ClinVar:

ClinVar aggregate classification (germline): Uncertain significance (1 of 4 stars; one submission).

Allele frequency attached by ClinVar (database versions not stated): gnomAD exomes below 0.00001; TOPMed below 0.00001; ExAC 0.00001; gnomAD 0.00003; ESP Exome Variant Server 0.00008.

Submission:

Labcorp Genetics (formerly Invitae), Labcorp
Classification: Uncertain significance. Last evaluated: 2022-05-10. Review status: criteria provided, single submitter. Criteria: Invitae Variant Classification Sherloc (09022015). Collection method: clinical testing. Allele origin: germline.
Comment: This sequence change replaces valine, which is neutral and non-polar, with alanine, which is neutral and non-polar, at codon 237 of the BMP1 protein (p.Val237Ala). This variant is present in population databases (rs368374276, gnomAD 0.009%). This variant has not been reported in the literature in individuals affected with BMP1-related conditions. Algorithms developed to predict the effect of missense changes on protein structure and function (SIFT, PolyPhen-2, Align-GVGD) all suggest that this variant is likely to be disruptive. In summary, the available evidence is currently insufficient to determine the role of this variant in disease. Therefore, it has been classified as a Variant of Uncertain Significance.

NM_006129.5(BMP1):c.710T>C (p.Val237Ala)

Gene: BMP1 (bone morphogenetic protein 1; plus strand). Cytogenetic location: 8p21.3.
Variant type: single nucleotide variant.
Coding change: c.710T>C on transcript NM_006129.5 (MANE Select); coding-DNA position 710, T replaced by C.
Protein change: p.Val237Ala; replaces valine 237 with alanine.
Molecular consequence: missense variant. On other transcripts: non-coding transcript variant (2).
Genome position (GRCh38, 1-based): chr8:22,177,119, T>C. VCF-style: chr8-22177119-T-C. GRCh37 (hg19) VCF-style: chr8-22034632-T-C.
Other names: c.710T>C, p.Val237Ala (NM_001199.4); short protein forms V237A.
Identifiers: ClinVar variation 1975903 (VCV001975903.2), dbSNP rs368374276, ClinGen allele CA4664334.
Genomic context (GRCh38, chr8:22,177,119, plus strand): 5'-ACGTCGTCGGCTTCTGGCACGAACACACTCGGCCAGACCGGGACCGCCACGTTTCCATCG[T>C]TCGTGAGAACATCCAGCCAGGTAGGTACCTGCCCCTCGGTGCGGCCTTGGTGGGCGGCTC-3'
Protein context (NP_006120.1, residues 227-247): RPDRDRHVSI[Val237Ala]RENIQPGQEY